The following is an entry in ClinVar:

ClinVar aggregate classification (germline): Uncertain significance (1 of 4 stars; one submission).

Submission:

GeneDx
Classification: Uncertain significance. Last evaluated: 2024-08-15. Review status: criteria provided, single submitter. Criteria: GeneDx Variant Classification Process June 2021. Collection method: clinical testing. Allele origin: germline. Affected: yes.
Comment: Not observed at significant frequency in large population cohorts (gnomAD); Canonical splice site variant in a gene or region of a gene for which loss of function is not a well-established mechanism of disease; Has not been previously published as pathogenic or benign to our knowledge

NM_006180.6(NTRK2):c.429-1G>A

Gene: NTRK2 (neurotrophic receptor tyrosine kinase 2; plus strand). Cytogenetic location: 9q21.33.
Variant type: single nucleotide variant.
Coding change: c.429-1G>A on transcript NM_006180.6 (MANE Select); the canonical splice acceptor site of the intron before coding-DNA position 429, G replaced by A.
Molecular consequence: splice acceptor variant.
Genome position (GRCh38, 1-based): chr9:84,710,636, G>A. VCF-style: chr9-84710636-G-A. GRCh37 (hg19) VCF-style: chr9-87325551-G-A.
Other names: c.429-1G>A (NM_001369532.1, NM_001369533.1, NM_001018066.3 and 18 more transcripts); c.-40-1G>A (NM_001369536.1, NM_001369535.1, NM_001369550.1 and 2 more transcripts).
Identifiers: ClinVar variation 3764265 (VCV003764265.1).
Genomic context (GRCh38, chr9:84,710,636, plus strand): 5'-GCACTAATGTAGCTAAAATGGAAAAAGGAACTTGATCTGTTGTCATTTTTGTTCCCTGTA[G>A]GATCCTGGTGGGCAATCCATTTACATGCTCCTGTGACATTATGTGGATCAAGACTCTCCA-3'